The following is an entry in ClinVar:

ClinVar aggregate classification (germline): Uncertain significance (1 of 4 stars; one submission).

Conditions:
Myopathy, proximal, and ophthalmoplegia (CMYO6). Also called: INCLUSION BODY MYOPATHY 3, AUTOSOMAL DOMINANT; MYOPATHY WITH CONGENITAL JOINT CONTRACTURES, OPHTHALMOPLEGIA, AND RIMMED VACUOLES; CONGENITAL MYOPATHY 6 WITH OPHTHALMOPLEGIA. Identifiers: Orphanet 363677, Orphanet 79091, MedGen C1854106, MONDO:0011577, OMIM 605637.

Allele frequency attached by ClinVar (database versions not stated): ExAC 0.00001; gnomAD exomes 0.00001.
gnomAD v4.1: 11 of 1,614,160 alleles (0.00068%); highest among the groups gnomAD compares: South Asian, 0.0033%; no homozygotes.

Submission:

Labcorp Genetics (formerly Invitae), Labcorp
Classification: Uncertain significance for Myopathy, proximal, and ophthalmoplegia. Last evaluated: 2022-06-19. Review status: criteria provided, single submitter. Criteria: Invitae Variant Classification Sherloc (09022015). Collection method: clinical testing. Allele origin: germline.
Comment: In summary, the available evidence is currently insufficient to determine the role of this variant in disease. Therefore, it has been classified as a Variant of Uncertain Significance. Algorithms developed to predict the effect of missense changes on protein structure and function (SIFT, PolyPhen-2, Align-GVGD) all suggest that this variant is likely to be disruptive. This variant has not been reported in the literature in individuals affected with MYH2-related conditions. This variant is present in population databases (rs767815198, gnomAD 0.006%). This sequence change replaces asparagine, which is neutral and polar, with serine, which is neutral and polar, at codon 1629 of the MYH2 protein (p.Asn1629Ser).

NM_017534.6(MYH2):c.4886A>G (p.Asn1629Ser)

Genes: MYH2 (myosin heavy chain 2; minus strand), MYHAS (myosin heavy chain gene cluster antisense RNA; plus strand), LOC126862500 (BRD4-independent group 4 enhancer GRCh37_chr17:10427829-10429028; plus strand). Cytogenetic location: 17p13.1.
Variant type: single nucleotide variant.
Coding change: c.4886A>G on transcript NM_017534.6 (MANE Select); coding-DNA position 4886, A replaced by G.
Protein change: p.Asn1629Ser; replaces asparagine 1629 with serine.
Molecular consequence: missense variant.
Genome position (GRCh38, 1-based): chr17:10,524,842, T>C on the plus strand (A>G on the coding strand, the complement: MYH2 is on the minus strand). VCF-style: chr17-10524842-T-C. GRCh37 (hg19) VCF-style: chr17-10428159-T-C.
Other names: c.4886A>G, p.Asn1629Ser (NM_001100112.2); short protein forms N1629S.
Identifiers: ClinVar variation 2153479 (VCV002153479.4), dbSNP rs767815198, ClinGen allele CA8390542.